The following is an entry in ClinVar:

ClinVar aggregate classification (germline): Uncertain significance (1 of 4 stars; one submission).

Conditions:
Hereditary cancer-predisposing syndrome. Also called: Tumor predisposition; Hereditary neoplastic syndrome; Hereditary Cancer Syndrome; Neoplastic Syndromes, Hereditary. Identifiers: Orphanet 140162, MedGen C0027672, MeSH D009386, MONDO:0015356.

Allele frequency attached by ClinVar (database versions not stated): gnomAD exomes below 0.00001.
gnomAD v4.1: 1 of 1,614,062 alleles (0.000062%); highest among the groups gnomAD compares: Admixed American, 0.0017%; no homozygotes.

Submission:

Color Diagnostics, LLC DBA Color Health
Classification: Uncertain significance for Hereditary cancer-predisposing syndrome. Last evaluated: 2020-12-23. Review status: criteria provided, single submitter. Criteria: ACMG Guidelines, 2015. Collection method: clinical testing. Allele origin: germline.
Comment: This missense variant replaces glycine with aspartic acid at codon 2069 of the APC protein. Computational prediction suggests that this variant may not impact protein structure and function (internally defined REVEL score threshold <= 0.5, PMID: 27666373). To our knowledge, functional studies have not been reported for this variant. This variant has not been reported in individuals affected with hereditary cancer in the literature. This variant has been identified in 1/250672 chromosomes in the general population by the Genome Aggregation Database (gnomAD). The available evidence is insufficient to determine the role of this variant in disease conclusively. Therefore, this variant is classified as a Variant of Uncertain Significance.

NM_000038.6(APC):c.6206G>A (p.Gly2069Asp)

Gene: APC (APC regulator of Wnt signaling pathway; plus strand). Cytogenetic location: 5q22.2.
Variant type: single nucleotide variant.
Coding change: c.6206G>A on transcript NM_000038.6 (MANE Select); coding-DNA position 6206, G replaced by A.
Protein change: p.Gly2069Asp; replaces glycine 2069 with aspartic acid.
Molecular consequence: missense variant.
Genome position (GRCh38, 1-based): chr5:112,841,800, G>A. VCF-style: chr5-112841800-G-A. GRCh37 (hg19) VCF-style: chr5-112177497-G-A.
Other names: c.6206G>A, p.Gly2069Asp (NM_001127510.3, NM_001354895.2); c.6152G>A, p.Gly2051Asp (NM_001127511.3); c.6260G>A, p.Gly2087Asp (NM_001354896.2); c.6236G>A, p.Gly2079Asp (NM_001354897.2); c.6131G>A, p.Gly2044Asp (NM_001354898.2); c.6122G>A, p.Gly2041Asp (NM_001354899.2); c.6083G>A, p.Gly2028Asp (NM_001354900.2); c.6029G>A, p.Gly2010Asp (NM_001354901.2); and 5 more; short protein forms G1786D, G1909D, G1943D, G1968D, G1978D, G2010D, G2028D, G2041D.
Identifiers: ClinVar variation 1172283 (VCV001172283.2), dbSNP rs1254674705, ClinGen allele CA16034927.